The following is an entry in ClinVar:

ClinVar aggregate classification (germline): Uncertain significance. Review status: criteria provided, multiple submitters, no conflicts (2 of 4 stars). 4 submissions from 4 submitters: Uncertain significance (2). 2 of the submissions do not count toward it. Last evaluated 2024-11-27.

Conditions:
Abnormal facial shape. Also called: Dysmorphic facies; Dysmorphic facial features. Identifiers: MedGen C0424503, HP:0001999.
Proximal muscle weakness. Identifiers: MedGen C0221629, HP:0003701.
Ankle flexion contracture. Identifiers: MedGen C1837407, HP:0006466.
Neonatal hypotonia. Identifiers: MedGen C2267233, HP:0001319.
Bilateral ptosis. Identifiers: MedGen C1865916, HP:0001488.
Combined oxidative phosphorylation deficiency 56 (COXPD56). Identifiers: MedGen C5774261, MONDO:0859323, OMIM 620139.
Combined oxidative phosphorylation deficiency. Identifiers: MedGen C4540031, MONDO:0000732.

Allele frequency attached by ClinVar (database versions not stated): TOPMed 0.00004; gnomAD 0.00007 and 0.00008.
gnomAD v4.1: 66 of 1,614,096 alleles (0.0041%); highest among the groups gnomAD compares: Non-Finnish European, 0.0024%; no homozygotes.

Submissions (4):

Broad Center for Mendelian Genomics, Broad Institute of MIT and Harvard
Classification: Uncertain significance for Combined oxidative phosphorylation deficiency. Last evaluated: 2024-11-27. Review status: criteria provided, single submitter. Criteria: ACMG Guidelines, 2015. Collection method: curation. Allele origin: germline. Inheritance: Autosomal recessive inheritance. Study: GREGoR Consortium.
Comment: Trio genome analysis revealed that this variant was in trans with the VUS (ClinVar Variation ID: 1299472). The p.Ser86Pro variant in TAMM41 has not been previously reported in the literature in individuals with combined oxidative phosphorylation deficiency 56, but has been identified in 0.1% (33/29606) of Ashkenazi Jewish chromosomes by the Genome Aggregation Database (gnomAD; dbSNP ID: rs199871047). Although this variant has been seen in the general population in a heterozygous state, its frequency is not high enough to rule out a pathogenic role. This variant has also been reported in ClinVar (Variation ID: 1299471) and has been interpreted as pathogenic by Institut IMAGINE (Institut National de la Sante et de la Recherche Medicale) and OMIM. In vitro functional studies provide some evidence that the p.Ser86Pro variant may slightly impact protein function (PMID: 35321494). However, these types of assays may not accurately represent biological function. The p.Ser86Pro variant is located in a region of TAMM41 that is essential to protein folding and stability, suggesting that this variant is in a functional domain and slightly supports pathogenicity (PMID: 35321494). Furthermore, although this gene has been reported in association with combined oxidative phosphorylation deficiency 56, it currently has limited evidence for these associations. In summary, while there is some suspicion for a pathogenic role, the clinical significance of this variant is uncertain.

Clinical Genomics Laboratory, Washington University in St. Louis
Classification: Uncertain significance for Combined oxidative phosphorylation deficiency 56. Last evaluated: 2023-11-14. Review status: criteria provided, single submitter. Criteria: ACMG Guidelines, 2015. Collection method: clinical testing. Allele origin: germline.
Comment: The TAMM41 c.256T>C (p.Ser86Pro) variant has been reported in trans with a canonical splice variant in one individual affected with combined oxidative phosphorylation deficiency (Thompson K et al., PMID: 35321494). The highest population minor allele frequency in the population database genome aggregation database (v.2.1.1) is 0.116% in the Ashkenazi Jewish population. Functional studies were performed with TAM41 deleted in Saccharomyces cerevisiae that resulted in a growth defect. The analogous variant to p.Ser86Pro in yeast, p.Lys186Pro, failed to reverse the growth defect, indicating an impact on TAMM41 function. Conversely, computational predictors suggest that the variant does not impact TAMM41 function. This variant has been reported in the ClinVar database as a pathogenic variant by one submitter (ClinVar Variation ID: 1299471). Due to conflicting information, and based on ACMG/AMP guidelines for variant interpretation (Richards S et al., PMID: 25741868), the clinical significance of this variant is uncertain at this time.

OMIM
Classification: Pathogenic for COMBINED OXIDATIVE PHOSPHORYLATION DEFICIENCY 56. Last evaluated: 2022-11-27. Review status: no assertion criteria provided. Collection method: literature only. Allele origin: germline. Not counted in ClinVar's aggregate classification.

Institut IMAGINE, Institut National de la Sante et de la Recherche Medicale
Classification: Pathogenic for Neonatal hypotonia; Proximal muscle weakness; Bilateral ptosis; Abnormal facial shape; Ankle flexion contracture. Last evaluated: 2021-08-01. Review status: no assertion criteria provided. Collection method: research. Allele origin: maternal. Affected: yes. Observed: 1 variant allele. Not counted in ClinVar's aggregate classification.
Comment: Functional validation in a Saccharomyces cerevisiae strain deleted of TAM4: the mutant cDNA failed to reverse the growth defect of the yeast with the tam41 gene deleted

This variant is in compound heterozygosity with NM_001284401.1:c.411+1G>T

Literature cited by the submitters: PubMed 35321494 (cited by Broad Center for Mendelian Genomics, Broad Institute of MIT and Harvard and OMIM).

NM_001284401.2(TAMM41):c.256T>C (p.Ser86Pro)

Gene: TAMM41 (TAM41 mitochondrial translocator assembly and maintenance homolog). Cytogenetic location: 3p25.2.
Variant type: single nucleotide variant.
Coding change: c.256T>C on transcript NM_001284401.2 (MANE Select); coding-DNA position 256, T replaced by C.
Protein change: p.Ser86Pro; replaces serine 86 with proline.
Molecular consequence: missense variant. On other transcripts: 5 prime UTR variant (1), non-coding transcript variant (10).
Genome position (GRCh38, 1-based): chr3:11,844,091, A>G on the plus strand (T>C on the coding strand, the complement: TAMM41 is on the minus strand). VCF-style: chr3-11844091-A-G. GRCh37 (hg19) VCF-style: chr3-11885565-A-G.
Other names: TAMM41, SER86PRO (rs199871047); NM_001284401.2(TAMM41):c.256T>C; p.Ser86Pro; c.133T>C, p.Ser45Pro (NM_001321294.2); c.-392T>C (NM_001321295.2); c.256T>C, p.Ser86Pro (NM_001366031.2, NM_001394474.1, NM_138807.4); short protein forms S45P, S86P.
Identifiers: ClinVar variation 1299471 (VCV001299471.5), dbSNP rs199871047, ClinGen allele CA2257077.